The following is an entry in ClinVar:

NM_014970.4(KIFAP3):c.834A>G (p.Leu278=)

Gene: KIFAP3 (kinesin associated protein 3; minus strand). Cytogenetic location: 1q24.2.
Variant type: single nucleotide variant.
Coding change: c.834A>G on transcript NM_014970.4 (MANE Select); coding-DNA position 834, A replaced by G.
Protein change: p.Leu278=; no amino-acid change (leucine 278 retained).
Molecular consequence: synonymous variant.
Genome position (GRCh38, 1-based): chr1:170,031,893, T>C on the plus strand (A>G on the coding strand, the complement: KIFAP3 is on the minus strand). VCF-style: chr1-170031893-T-C. GRCh37 (hg19) VCF-style: chr1-170001034-T-C.
Other names: c.600A>G, p.Leu200= (NM_001204514.2); c.702A>G, p.Leu234= (NM_001204516.2); c.714A>G, p.Leu238= (NM_001204517.2); c.834A>G, p.Leu278= (NM_001375830.1, NM_001375831.1).
Identifiers: ClinVar variation 3037470 (VCV003037470.2), dbSNP rs36022648, ClinGen allele CA1238570.
Genomic context (GRCh38, chr1:170,031,893, plus strand): 5'-ATGTATTTGGAGTAAGTACTTTGTTGCTTTCCTCATTGCTTAGGAATTCATACCTCGTAA[T>C]AGCTGTTCCTGTTTTACCACAAGCCCCTGGTACTTTTTAAAGGTTTTTTCATAATCCTTT-3'
Protein context (NP_055785.2, residues 268-288): YQGLVVKQEQ[Leu278=]LRVALYLLLN

ClinVar aggregate classification (germline): Benign (0 of 4 stars; one submission).

Conditions:
KIFAP3-related disorder. Also called: KIFAP3-related condition.

Allele frequency attached by ClinVar (database versions not stated): gnomAD exomes 0.00107; ExAC 0.00272; gnomAD 0.00723; 1000 Genomes Project 0.00759; TOPMed 0.00811; ESP Exome Variant Server 0.00846; 1000 Genomes Project 30x 0.00859.
gnomAD v4.1: 2,708 of 1,598,532 alleles (0.17%); highest among the groups gnomAD compares: African/African-American, 2.3%; 29 homozygotes.

Submission:

PreventionGenetics, part of Exact Sciences
Classification: Benign for KIFAP3-related condition. Last evaluated: 2019-05-30. Review status: no assertion criteria provided. Collection method: clinical testing. Allele origin: germline.
Comment: This variant is classified as benign based on ACMG/AMP sequence variant interpretation guidelines (Richards et al. 2015 PMID: 25741868, with internal and published modifications).